The following is an entry in ClinVar:

NM_001379200.1(TBX1):c.1345G>A (p.Gly449Ser)

Gene: TBX1 (T-box transcription factor 1; plus strand). Cytogenetic location: 22q11.21.
Variant type: single nucleotide variant.
Coding change: c.1345G>A on transcript NM_001379200.1 (MANE Select); coding-DNA position 1345, G replaced by A.
Protein change: p.Gly449Ser; replaces glycine 449 with serine.
Molecular consequence: missense variant. On other transcripts: intron variant (2).
Genome position (GRCh38, 1-based): chr22:19,766,697, G>A. VCF-style: chr22-19766697-G-A. GRCh37 (hg19) VCF-style: chr22-19754220-G-A.
Other names: c.1318G>A, p.Gly440Ser (NM_080647.1); c.1009+695G>A (NM_005992.1, NM_080646.2); short protein forms G440S, G449S.
Identifiers: ClinVar variation 1034542 (VCV001034542.8), dbSNP rs777873225, ClinGen allele CA10102720.
Genomic context (GRCh38, chr22:19,766,697, plus strand): 5'-GCCGCCGCCTACGACCACTATCTCGGGGCCAAGAGCCGGCCGGCGCCCTACCCGCTGCCC[G>A]GCCTGCGTGGCCACGGCTACCACCCGCACGCGCATCCGCACCACCACCACCACCCCGTGA-3'
Protein context (NP_001366129.1, residues 439-459): KSRPAPYPLP[Gly449Ser]LRGHGYHPHA

ClinVar aggregate classification (germline): Uncertain significance (1 of 4 stars; one submission).

Conditions:
DiGeorge syndrome. Also called: THIRD AND FOURTH PHARYNGEAL POUCH SYNDROME; Catch22. Identifiers: Orphanet 567, MedGen C0012236, MONDO:0008564, OMIM 188400.

Allele frequency attached by ClinVar (database versions not stated): TOPMed 0.00002; ExAC 0.00004.
gnomAD v4.1: 13 of 1,546,488 alleles (0.00084%); highest among the groups gnomAD compares: East Asian, 0.016%; no homozygotes.

Submission:

Labcorp Genetics (formerly Invitae), Labcorp
Classification: Uncertain significance for DiGeorge syndrome. Last evaluated: 2023-11-03. Review status: criteria provided, single submitter. Criteria: Invitae Variant Classification Sherloc (09022015). Collection method: clinical testing. Allele origin: germline.
Comment: This sequence change replaces glycine, which is neutral and non-polar, with serine, which is neutral and polar, at codon 440 of the TBX1 protein (p.Gly440Ser). The frequency data for this variant in the population databases is considered unreliable, as metrics indicate poor data quality at this position in the gnomAD database. This variant has not been reported in the literature in individuals affected with TBX1-related conditions. ClinVar contains an entry for this variant (Variation ID: 1034542). Algorithms developed to predict the effect of missense changes on protein structure and function output the following: SIFT: "Not Available"; PolyPhen-2: "Benign"; Align-GVGD: "Not Available". The serine amino acid residue is found in multiple mammalian species, which suggests that this missense change does not adversely affect protein function. In summary, the available evidence is currently insufficient to determine the role of this variant in disease. Therefore, it has been classified as a Variant of Uncertain Significance.